The following is an entry in ClinVar:

ClinVar aggregate classification (germline): Uncertain significance (1 of 4 stars; one submission).

gnomAD v4.1: 1 of 1,613,532 alleles (0.000062%); highest among the groups gnomAD compares: East Asian, 0.0022%; no homozygotes.

Submission:

CeGaT Center for Human Genetics Tuebingen
Classification: Uncertain significance. Last evaluated: 2026-01-01. Review status: criteria provided, single submitter. Criteria: CeGaT Center For Human Genetics Tuebingen Variant Classification Criteria Version 2. Collection method: clinical testing. Allele origin: germline. Affected: yes. Observed: 1 variant allele.
Comment: COL11A2: PM2, PP3

NM_080680.3(COL11A2):c.4124G>T (p.Gly1375Val)

Gene: COL11A2 (collagen type XI alpha 2 chain; minus strand). Cytogenetic location: 6p21.32.
Variant type: single nucleotide variant.
Coding change: c.4124G>T on transcript NM_080680.3 (MANE Select); coding-DNA position 4124, G replaced by T.
Protein change: p.Gly1375Val; replaces glycine 1375 with valine.
Molecular consequence: missense variant.
Genome position (GRCh38, 1-based): chr6:33,167,316, C>A on the plus strand (G>T on the coding strand, the complement: COL11A2 is on the minus strand). VCF-style: chr6-33167316-C-A. GRCh37 (hg19) VCF-style: chr6-33135093-C-A.
Other names: c.3944G>T, p.Gly1315Val (NM_001424108.1); c.3278G>T, p.Gly1093Val (NM_001424109.1); c.3098G>T, p.Gly1033Val (NM_001424110.1, NM_001424111.1); c.2078G>T, p.Gly693Val (NM_001424112.1); c.3803G>T, p.Gly1268Val (NM_080679.3); c.3866G>T, p.Gly1289Val (NM_080681.3); short protein forms G1033V, G1093V, G1268V, G1289V, G1315V, G1375V, G693V.
Identifiers: ClinVar variation 4823047 (VCV004823047.4).